The following is an entry in ClinVar:

ClinVar aggregate classification (germline): Uncertain significance (1 of 4 stars; one submission).

Conditions:
Myosin storage myopathy (CMYO7A). Also called: MYOPATHY, HYALINE BODY, AUTOSOMAL DOMINANT; SCAPULOPERONEAL MUSCULAR DYSTROPHY; SCAPULOPERONEAL SYNDROME, MYOPATHIC TYPE; Scapuloperoneal myopathy, MYH7-related; MYH7-related late-onset scapuloperoneal muscular dystrophy; Congenital myopathy 7A, myosin storage, autosomal dominant. Identifiers: Orphanet 437572, Orphanet 636965, MedGen C1842160, MONDO:0008409, OMIM 608358.

Submission:

Broad Center for Mendelian Genomics, Broad Institute of MIT and Harvard
Classification: Uncertain significance for Myosin storage myopathy. Last evaluated: 2023-05-02. Review status: criteria provided, single submitter. Criteria: ACMG Guidelines, 2015. Collection method: curation. Allele origin: germline. Inheritance: Autosomal dominant inheritance.
Comment: Trio exome analysis showed this variant to be de novo. The c.5655+4A>T variant in MYH7 has not been previously reported in individuals with MYH7-related late-onset scapuloperoneal muscular dystrophy. This variant is absent in population databases. Multiple variants in the same region as c.5655+4A>T (i.e., the splice donor region of exon 38) have been reported in association with disease in literature, suggesting that this variant is in a hot spot and slightly supports pathogenicity (PMID: 26782017, PMID: 27387980, PMID: 30794915). This variant is located in the 5' splice region. Computational tools do not suggest an impact to splicing. However, this information is not predictive enough to rule out pathogenicity. In summary, the clinical significance of the c.5655+4A>T variant is uncertain. ACMG/AMP Criteria applied: PS2_Moderate, PM1_Supporting, PM2_Supporting, BP4 (Richards 2015).

Literature cited by the submitters: PubMed 30794915.

NM_000257.4(MYH7):c.5655+4A>T

Gene: MYH7 (myosin heavy chain 7; minus strand). Cytogenetic location: 14q11.2.
Variant type: single nucleotide variant.
Coding change: c.5655+4A>T on transcript NM_000257.4 (MANE Select); 4 bases into the intron after coding-DNA position 5655, A replaced by T.
Molecular consequence: intron variant.
Genome position (GRCh38, 1-based): chr14:23,414,003, T>A on the plus strand (A>T on the coding strand, the complement: MYH7 is on the minus strand). VCF-style: chr14-23414003-T-A. GRCh37 (hg19) VCF-style: chr14-23883212-T-A.
Other names: NM_000257.4:c.5655+4A>T; c.5655+4A>T (NM_001407004.1).
Identifiers: ClinVar variation 2500943 (VCV002500943.2), dbSNP rs1566521603, ClinGen allele CA2573332007.